The following is an entry in ClinVar:

NM_032898.5(CEP19):c.471A>G (p.Thr157=)

Gene: CEP19 (centrosomal protein 19; minus strand). Cytogenetic location: 3q29.
Variant type: single nucleotide variant.
Coding change: c.471A>G on transcript NM_032898.5 (MANE Select); coding-DNA position 471, A replaced by G.
Protein change: p.Thr157=; no amino-acid change (threonine 157 retained).
Molecular consequence: synonymous variant.
Genome position (GRCh38, 1-based): chr3:196,707,572, T>C on the plus strand (A>G on the coding strand, the complement: CEP19 is on the minus strand). VCF-style: chr3-196707572-T-C. GRCh37 (hg19) VCF-style: chr3-196434443-T-C.
Identifiers: ClinVar variation 719485 (VCV000719485.33), dbSNP rs142469317, ClinGen allele CA2782069.

ClinVar aggregate classification (germline): Benign/Likely benign. Review status: criteria provided, multiple submitters, no conflicts (2 of 4 stars). 2 submissions from 2 submitters: Benign (1); Likely benign (1). Last evaluated 2026-06-01.

Allele frequency attached by ClinVar (database versions not stated): 1000 Genomes Project 30x 0.00109; 1000 Genomes Project 0.00140; TOPMed 0.00339; ESP Exome Variant Server 0.00345; gnomAD 0.00358 and 0.00386; gnomAD exomes 0.00381; ExAC 0.00434.

Submissions (2):

CeGaT Center for Human Genetics Tuebingen
Classification: Likely benign. Last evaluated: 2026-06-01. Review status: criteria provided, single submitter. Criteria: CeGaT Center For Human Genetics Tuebingen Variant Classification Criteria Version 2. Collection method: clinical testing. Allele origin: germline. Affected: yes. Observed: 7 variant alleles.
Comment: CEP19: BP4, BP7, BS2

Labcorp Genetics (formerly Invitae), Labcorp
Classification: Benign. Last evaluated: 2026-01-22. Review status: criteria provided, single submitter. Criteria: Invitae Variant Classification Sherloc (09022015). Collection method: clinical testing. Allele origin: germline.